The following is an entry in ClinVar:

ClinVar aggregate classification (germline): Uncertain significance (1 of 4 stars; one submission).

Conditions:
DICER1-related tumor predisposition. Also called: DICER1 syndrome; DICER1-related pleuropulmonary blastoma cancer predisposition syndrome. Identifiers: Orphanet 284343, MedGen C3839822, MONDO:0100216.

Submission:

Labcorp Genetics (formerly Invitae), Labcorp
Classification: Uncertain significance for DICER1-related tumor predisposition. Last evaluated: 2020-10-19. Review status: criteria provided, single submitter. Criteria: Invitae Variant Classification Sherloc (09022015). Collection method: clinical testing. Allele origin: germline.
Comment: In summary, the available evidence is currently insufficient to determine the role of this variant in disease. Therefore, it has been classified as a Variant of Uncertain Significance. Algorithms developed to predict the effect of missense changes on protein structure and function (SIFT, PolyPhen-2, Align-GVGD) all suggest that this variant is likely to be disruptive, but these predictions have not been confirmed by published functional studies and their clinical significance is uncertain. This variant has not been reported in the literature in individuals with DICER1-related conditions. This variant is not present in population databases (ExAC no frequency). This sequence change replaces valine with glycine at codon 1034 of the DICER1 protein (p.Val1034Gly). The valine residue is highly conserved and there is a moderate physicochemical difference between valine and glycine.

NM_177438.3(DICER1):c.3101T>G (p.Val1034Gly)

Gene: DICER1 (dicer 1, ribonuclease III; minus strand). Cytogenetic location: 14q32.13.
Variant type: single nucleotide variant.
Coding change: c.3101T>G on transcript NM_177438.3 (MANE Select); coding-DNA position 3101, T replaced by G.
Protein change: p.Val1034Gly; replaces valine 1034 with glycine.
Molecular consequence: missense variant.
Genome position (GRCh38, 1-based): chr14:95,105,239, A>C on the plus strand (T>G on the coding strand, the complement: DICER1 is on the minus strand). VCF-style: chr14-95105239-A-C. GRCh37 (hg19) VCF-style: chr14-95571576-A-C.
Other names: c.3101T>G, p.Val1034Gly (NM_001195573.1, NM_001271282.3, NM_001291628.2 and 1 more transcripts); short protein forms V1034G.
Identifiers: ClinVar variation 1062049 (VCV001062049.10), dbSNP rs2139988500, ClinGen allele CA390876953.